The following is an entry in ClinVar:

ClinVar aggregate classification (germline): Benign/Likely benign. Review status: criteria provided, multiple submitters, no conflicts (2 of 4 stars). 5 submissions from 5 submitters: Benign (4); Likely benign (1). Last evaluated 2026-02-02.

Conditions:
Asphyxiating thoracic dystrophy 3. Also called: SHORT-RIB THORACIC DYSPLASIA 3 WITH OR WITHOUT POLYDACTYLY; POLYDACTYLY WITH NEONATAL CHONDRODYSTROPHY, TYPE I; SHORT-RIB THORACIC DYSPLASIA 3/6 WITH POLYDACTYLY, DIGENIC; Short rib polydactyly syndrome 2B; Saldino-Noonan Syndrome. Identifiers: Orphanet 474, Orphanet 93269, Orphanet 93270, Orphanet 93271, MedGen C0036069, MONDO:0013127, OMIM 613091.
Jeune thoracic dystrophy. Also called: Infantile thoracic dystrophy; Thoracic pelvic phalangeal dystrophy; Jeune's syndrome; Chondroectodermal dysplasia-like syndrome; Short-rib thoracic dysplasia; Jeune syndrome. Identifiers: Orphanet 474, MedGen C0265275, MONDO:0018770.

Allele frequency attached by ClinVar (database versions not stated): gnomAD exomes 0.00052 and 0.00109; ExAC 0.00303; 1000 Genomes Project 0.00419; 1000 Genomes Project 30x 0.00437; ESP Exome Variant Server 0.00542; gnomAD 0.00559 and 0.00606; TOPMed 0.00637.
gnomAD v4.1: 1,609 of 1,547,104 alleles (0.1%); highest among the groups gnomAD compares: African/African-American, 2%; 16 homozygotes.

Submissions (5):

Labcorp Genetics (formerly Invitae), Labcorp
Classification: Benign for Jeune thoracic dystrophy. Last evaluated: 2026-02-02. Review status: criteria provided, single submitter. Criteria: Invitae Variant Classification Sherloc (09022015). Collection method: clinical testing. Allele origin: germline.

Blueprint Genetics
Classification: Likely benign. Last evaluated: 2024-09-11. Review status: criteria provided, single submitter. Criteria: ACMG Guidelines, 2015. Collection method: clinical testing. Allele origin: germline.

ARUP Laboratories, Molecular Genetics and Genomics, ARUP Laboratories
Classification: Benign for Asphyxiating thoracic dystrophy 3. Last evaluated: 2020-08-31. Review status: criteria provided, single submitter. Criteria: ARUP Molecular Germline Variant Investigation Process. Collection method: clinical testing. Allele origin: germline.

GeneDx
Classification: Benign. Last evaluated: 2019-05-06. Review status: criteria provided, single submitter. Criteria: GeneDx Variant Classification Process June 2021. Collection method: clinical testing. Allele origin: germline. Affected: yes.

Illumina Laboratory Services, Illumina
Classification: Benign for Asphyxiating thoracic dystrophy 3. Last evaluated: 2018-01-13. Review status: criteria provided, single submitter. Criteria: ICSL Variant Classification Criteria 13 December 2019. Collection method: clinical testing. Allele origin: germline.
Comment: This variant was observed in the ICSL laboratory as part of a predisposition screen in an ostensibly healthy population. It had not been previously curated by ICSL or reported in the Human Gene Mutation Database (HGMD: prior to June 1st, 2018), and was therefore a candidate for classification through an automated scoring system. Utilizing variant allele frequency, disease prevalence and penetrance estimates, and inheritance mode, an automated score was calculated to assess if this variant is too frequent to cause the disease. Based on the score and internal cut-off values, a variant classified as benign is not then subjected to further curation. The score for this variant resulted in a classification of benign for this disease.

NM_001377.3(DYNC2H1):c.11703C>T (p.Asn3901=)

Gene: DYNC2H1 (dynein cytoplasmic 2 heavy chain 1; plus strand). Cytogenetic location: 11q22.3.
Variant type: single nucleotide variant.
Coding change: c.11703C>T on transcript NM_001377.3 (MANE Select); coding-DNA position 11703, C replaced by T.
Protein change: p.Asn3901=; no amino-acid change (asparagine 3901 retained).
Molecular consequence: synonymous variant.
Genome position (GRCh38, 1-based): chr11:103,316,598, C>T. VCF-style: chr11-103316598-C-T. GRCh37 (hg19) VCF-style: chr11-103187327-C-T.
Other names: c.11724C>T, p.Asn3908= (NM_001080463.2).
Identifiers: ClinVar variation 302114 (VCV000302114.27), dbSNP rs144624858, ClinGen allele CA6255349.